The following is an entry in ClinVar:

ClinVar aggregate classification (germline): Uncertain significance (1 of 4 stars; one submission).

Conditions:
Neuropathy, hereditary sensory and autonomic, type 2A (HSAN2A). Also called: HSAN IIA; WNK1-Related HSAN2 (HSAN2A); ACROOSTEOLYSIS, GIACCAI TYPE; ACROOSTEOLYSIS, NEUROGENIC; MORVAN DISEASE; NEUROPATHY, CONGENITAL SENSORY. Identifiers: Orphanet 970, MedGen C2752089, MONDO:0024309, OMIM 201300.
Generalized epilepsy with febrile seizures plus, type 7 (GEFSP7). Also called: GEFS+, TYPE 7. Identifiers: Orphanet 36387, MedGen C2751778, MONDO:0013470, OMIM 613863.

Submission:

Labcorp Genetics (formerly Invitae), Labcorp
Classification: Uncertain significance for Neuropathy, hereditary sensory and autonomic, type 2A; Generalized epilepsy with febrile seizures plus, type 7. Last evaluated: 2024-10-29. Review status: criteria provided, single submitter. Criteria: Invitae Variant Classification Sherloc (09022015). Collection method: clinical testing. Allele origin: germline.
Comment: This sequence change replaces threonine, which is neutral and polar, with asparagine, which is neutral and polar, at codon 1942 of the SCN9A protein (p.Thr1942Asn). This variant is not present in population databases (gnomAD no frequency). This variant has not been reported in the literature in individuals affected with SCN9A-related conditions. ClinVar contains an entry for this variant (Variation ID: 2946198). An algorithm developed to predict the effect of missense changes on protein structure and function outputs the following: PolyPhen-2: "Benign". The asparagine amino acid residue is found in multiple mammalian species, which suggests that this missense change does not adversely affect protein function. In summary, the available evidence is currently insufficient to determine the role of this variant in disease. Therefore, it has been classified as a Variant of Uncertain Significance.

NM_001365536.1(SCN9A):c.5858C>A (p.Thr1953Asn)

Genes: SCN1A-AS1 (SCN1A and SCN9A antisense RNA 1; plus strand), SCN9A (sodium voltage-gated channel alpha subunit 9; minus strand). Cytogenetic location: 2q24.3.
Variant type: single nucleotide variant.
Coding change: c.5858C>A on transcript NM_001365536.1 (MANE Select); coding-DNA position 5858, C replaced by A.
Protein change: p.Thr1953Asn; replaces threonine 1953 with asparagine.
Molecular consequence: missense variant.
Genome position (GRCh38, 1-based): chr2:166,198,781, G>T on the plus strand (C>A on the coding strand, the complement: SCN9A is on the minus strand). VCF-style: chr2-166198781-G-T. GRCh37 (hg19) VCF-style: chr2-167055291-G-T.
Other names: c.5825C>A, p.Thr1942Asn (NM_002977.4); short protein forms T1953N, T1942N.
Identifiers: ClinVar variation 2946198 (VCV002946198.3), dbSNP rs1222885641, ClinGen allele CA349051340.